The following is an entry in ClinVar:

ClinVar aggregate classification (germline): Uncertain significance. Review status: criteria provided, multiple submitters, no conflicts (2 of 4 stars). 2 submissions from 2 submitters: Uncertain significance (2). Last evaluated 2025-02-05.

Conditions:
Catecholaminergic polymorphic ventricular tachycardia 1. Also called: RYR2-Related Catecholaminergic Polymorphic Ventricular Tachycardia; VENTRICULAR TACHYCARDIA, CATECHOLAMINERGIC POLYMORPHIC, 1, WITH OR WITHOUT ATRIAL DYSFUNCTION AND/OR DILATED CARDIOMYOPATHY; VENTRICULAR TACHYCARDIA, STRESS-INDUCED POLYMORPHIC 1. Identifiers: Orphanet 3286, MedGen C1631597, MONDO:0011484, OMIM 604772.

Submissions (2):

Women's Health and Genetics/Laboratory Corporation of America, LabCorp
Classification: Uncertain significance. Last evaluated: 2025-02-05. Review status: criteria provided, single submitter. Criteria: LabCorp Variant Classification Summary - May 2015. Collection method: clinical testing. Allele origin: germline.
Comment: Variant summary: RYR2 c.7819C>G (p.Leu2607Val) results in a conservative amino acid change in the encoded protein sequence. Three of four in-silico tools predict a damaging effect of the variant on protein function. The frequency data for this variant in gnomAD is considered unreliable, as metrics indicate poor data quality at this position. To our knowledge, no occurrence of c.7819C>G in individuals affected with Catecholaminergic Polymorphic Ventricular Tachycardia and no experimental evidence demonstrating its impact on protein function have been reported. ClinVar contains an entry for this variant (Variation ID: 934375). Based on the evidence outlined above, the variant was classified as uncertain significance.

Labcorp Genetics (formerly Invitae), Labcorp
Classification: Uncertain significance for Catecholaminergic polymorphic ventricular tachycardia 1. Last evaluated: 2022-10-24. Review status: criteria provided, single submitter. Criteria: Invitae Variant Classification Sherloc (09022015). Collection method: clinical testing. Allele origin: germline.
Comment: Advanced modeling of protein sequence and biophysical properties (such as structural, functional, and spatial information, amino acid conservation, physicochemical variation, residue mobility, and thermodynamic stability) performed at Invitae indicates that this missense variant is expected to disrupt RYR2 protein function. ClinVar contains an entry for this variant (Variation ID: 934375). This variant has not been reported in the literature in individuals affected with RYR2-related conditions. This variant is not present in population databases (gnomAD no frequency). This sequence change replaces leucine, which is neutral and non-polar, with valine, which is neutral and non-polar, at codon 2607 of the RYR2 protein (p.Leu2607Val). In summary, the available evidence is currently insufficient to determine the role of this variant in disease. Therefore, it has been classified as a Variant of Uncertain Significance.

NM_001035.3(RYR2):c.7819C>G (p.Leu2607Val)

Gene: RYR2 (ryanodine receptor 2; plus strand). Cytogenetic location: 1q43.
Variant type: single nucleotide variant.
Coding change: c.7819C>G on transcript NM_001035.3 (MANE Select); coding-DNA position 7819, C replaced by G.
Protein change: p.Leu2607Val; replaces leucine 2607 with valine.
Molecular consequence: missense variant.
Genome position (GRCh38, 1-based): chr1:237,651,496, C>G. VCF-style: chr1-237651496-C-G. GRCh37 (hg19) VCF-style: chr1-237814796-C-G.
Other names: short protein forms L2607V.
Identifiers: ClinVar variation 934375 (VCV000934375.12), dbSNP rs1682727518, ClinGen allele CA345399794.